The following is an entry in ClinVar:

ClinVar aggregate classification (germline): Uncertain significance (1 of 4 stars; one submission).

Conditions:
Familial intrahepatic cholestasis. Identifiers: Orphanet 284385, MedGen CN296401, MONDO:0017290.

Submission:

Genomenon, Inc
Classification: Uncertain significance for Familial intrahepatic cholestasis. Last evaluated: 2026-04-14. Review status: criteria provided, single submitter. Criteria: Genomenon Sequence Variant Interpretation Standards - Updated. Collection method: curation. Allele origin: germline. Affected: yes.
Comment: ATP8B1 p.Ala1208ProfsTer79 (c.3622_3628del) is a frameshift variant that results in the production of an extended protein product. This variant has been observed in at least one proband with features of ATP8B1-deficiency (PMID:15239083). It is absent or not present at a significant frequency in gnomAD. In conclusion, we classify ATP8B1 p.Ala1208ProfsTer79 (c.3622_3628del) as a variant of uncertain significance.

Literature cited by the submitters: PubMed 15239083.

NM_001374385.1(ATP8B1):c.3622_3628del (p.Ala1208fs)

Genes: ATP8B1 (ATPase phospholipid transporting 8B1; minus strand), ATP8B1-AS1 (ATP8B1 antisense RNA 1; plus strand). Cytogenetic location: 18q21.31.
Variant type: Deletion.
Coding change: c.3622_3628del on transcript NM_001374385.1 (MANE Select); coding-DNA positions 3622 to 3628, 7 bases deleted (GCCTACG; older notation c.3622_3628delGCCTACG).
Protein change: p.Ala1208fs; shifts the reading frame from alanine 1208.
Molecular consequence: frameshift variant.
Genome position (GRCh38, 1-based): chr18:57,648,616-57,648,622, CGTAGGC deleted on the plus strand (GCCTACG on the coding strand, the reverse complement: ATP8B1 is on the minus strand); deleting any 7 consecutive bases within chr18:57,648,616-57,648,624 gives the same sequence; the c. name uses the placement nearest the transcript's 3' end. VCF-style (leftmost placement, unchanged base first): chr18-57648615-GCGTAGGC-G. GRCh37 (hg19) VCF-style: chr18-55315847-GCGTAGGC-G.
Other names: c.3472_3478del, p.Ala1158fs (NM_001374386.1); c.3622_3628del, p.Ala1208fs (NM_005603.6); short protein forms A1158fs, A1208fs.
Identifiers: ClinVar variation 4846568 (VCV004846568.1).